The following is an entry in ClinVar:

NM_000553.6(WRN):c.3877C>G (p.Gln1293Glu)

Gene: WRN (WRN RecQ like helicase; plus strand). Cytogenetic location: 8p12.
Variant type: single nucleotide variant.
Coding change: c.3877C>G on transcript NM_000553.6 (MANE Select); coding-DNA position 3877, C replaced by G.
Protein change: p.Gln1293Glu; replaces glutamine 1293 with glutamic acid.
Molecular consequence: missense variant.
Genome position (GRCh38, 1-based): chr8:31,157,425, C>G. VCF-style: chr8-31157425-C-G. GRCh37 (hg19) VCF-style: chr8-31014941-C-G.
Other names: short protein forms Q1293E.
Identifiers: ClinVar variation 1428932 (VCV001428932.6), dbSNP rs1803429007, ClinGen allele CA370929396.

ClinVar aggregate classification (germline): Uncertain significance (1 of 4 stars; one submission).

Conditions:
Werner syndrome (WRN). Identifiers: Orphanet 902, MedGen C0043119, MONDO:0010196, OMIM 277700.

Allele frequency attached by ClinVar (database versions not stated): 1000 Genomes Project 30x 0.00016.
gnomAD v4.1: 1 of 1,614,110 alleles (0.000062%); highest among the groups gnomAD compares: South Asian, 0.0011%; no homozygotes.

Submission:

Labcorp Genetics (formerly Invitae), Labcorp
Classification: Uncertain significance for Werner syndrome. Last evaluated: 2020-12-10. Review status: criteria provided, single submitter. Criteria: Invitae Variant Classification Sherloc (09022015). Collection method: clinical testing. Allele origin: germline.
Comment: This sequence change replaces glutamine with glutamic acid at codon 1293 of the WRN protein (p.Gln1293Glu). The glutamine residue is moderately conserved and there is a small physicochemical difference between glutamine and glutamic acid. This variant is not present in population databases (ExAC no frequency). This variant has not been reported in the literature in individuals with WRN-related conditions. Algorithms developed to predict the effect of missense changes on protein structure and function are either unavailable or do not agree on the potential impact of this missense change (SIFT: "Not Available"; PolyPhen-2: "Benign"; Align-GVGD: "Not Available"). In summary, the available evidence is currently insufficient to determine the role of this variant in disease. Therefore, it has been classified as a Variant of Uncertain Significance.